The following is an entry in ClinVar:

ClinVar aggregate classification (germline): Uncertain significance (1 of 4 stars; one submission).

Conditions:
Inborn genetic diseases. Identifiers: MedGen C0950123, MeSH D030342.

Allele frequency attached by ClinVar (database versions not stated): gnomAD exomes below 0.00001; gnomAD 0.00001; TOPMed 0.00002.
gnomAD v4.1: 2 of 1,613,400 alleles (0.00012%); highest among the groups gnomAD compares: African/African-American, 0.0013%; no homozygotes.

Submission:

Ambry Genetics
Classification: Uncertain significance for Inborn genetic diseases. Last evaluated: 2022-02-21. Review status: criteria provided, single submitter. Criteria: Ambry Variant Classification Scheme 2023. Collection method: clinical testing. Allele origin: germline.
Comment: The p.L309F variant (also known as c.925C>T), located in coding exon 3 of the SMAD6 gene, results from a C to T substitution at nucleotide position 925. The leucine at codon 309 is replaced by phenylalanine, an amino acid with highly similar properties. This amino acid position is conserved. In addition, the in silico prediction for this alteration is inconclusive. Since supporting evidence is limited at this time, the clinical significance of this alteration remains unclear.

NM_005585.5(SMAD6):c.925C>T (p.Leu309Phe)

Gene: SMAD6 (SMAD family member 6; plus strand). Cytogenetic location: 15q22.31.
Variant type: single nucleotide variant.
Coding change: c.925C>T on transcript NM_005585.5 (MANE Select); coding-DNA position 925, C replaced by T.
Protein change: p.Leu309Phe; replaces leucine 309 with phenylalanine.
Molecular consequence: missense variant. On other transcripts: non-coding transcript variant (1).
Genome position (GRCh38, 1-based): chr15:66,716,471, C>T. VCF-style: chr15-66716471-C-T. GRCh37 (hg19) VCF-style: chr15-67008809-C-T.
Other names: short protein forms L309F.
Identifiers: ClinVar variation 1766366 (VCV001766366.2), dbSNP rs895768354, ClinGen allele CA271691726.